The following is an entry in ClinVar:

ClinVar aggregate classification (germline): Uncertain significance (1 of 4 stars; one submission).

Conditions:
Infantile spasms. Also called: Infantile spasm. Identifiers: MedGen C3887898, HP:0012469.

Allele frequency attached by ClinVar (database versions not stated): gnomAD exomes below 0.00001 and 0.00001; ExAC 0.00001; gnomAD 0.00001; TOPMed 0.00002.
gnomAD v4.1: 10 of 1,614,034 alleles (0.00062%); highest among the groups gnomAD compares: African/African-American, 0.0027%; no homozygotes.

Submission:

Labcorp Genetics (formerly Invitae), Labcorp
Classification: Uncertain significance for Infantile spasms. Last evaluated: 2022-02-05. Review status: criteria provided, single submitter. Criteria: Invitae Variant Classification Sherloc (09022015). Collection method: clinical testing. Allele origin: germline.
Comment: In summary, the available evidence is currently insufficient to determine the role of this variant in disease. Therefore, it has been classified as a Variant of Uncertain Significance. Algorithms developed to predict the effect of sequence changes on RNA splicing suggest that this variant may create or strengthen a splice site. Algorithms developed to predict the effect of missense changes on protein structure and function are either unavailable or do not agree on the potential impact of this missense change (SIFT: "Tolerated"; PolyPhen-2: "Probably Damaging"; Align-GVGD: "Class C0"). This variant has not been reported in the literature in individuals affected with PIK3AP1-related conditions. This variant is present in population databases (rs762971506, gnomAD 0.004%). This sequence change replaces arginine, which is basic and polar, with glutamine, which is neutral and polar, at codon 652 of the PIK3AP1 protein (p.Arg652Gln).

NM_152309.3(PIK3AP1):c.1955G>A (p.Arg652Gln)

Gene: PIK3AP1 (phosphoinositide-3-kinase adaptor protein 1; minus strand). Cytogenetic location: 10q24.1.
Variant type: single nucleotide variant.
Coding change: c.1955G>A on transcript NM_152309.3 (MANE Select); coding-DNA position 1955, G replaced by A.
Protein change: p.Arg652Gln; replaces arginine 652 with glutamine.
Molecular consequence: missense variant.
Genome position (GRCh38, 1-based): chr10:96,616,698, C>T on the plus strand (G>A on the coding strand, the complement: PIK3AP1 is on the minus strand). VCF-style: chr10-96616698-C-T. GRCh37 (hg19) VCF-style: chr10-98376455-C-T.
Other names: short protein forms R652Q.
Identifiers: ClinVar variation 1515774 (VCV001515774.8), dbSNP rs762971506, ClinGen allele CA5626108.